The following is an entry in ClinVar:

ClinVar aggregate classification (germline): Uncertain significance (1 of 4 stars; one submission).

Submission:

GeneDx
Classification: Uncertain significance. Last evaluated: 2019-12-17. Review status: criteria provided, single submitter. Criteria: GeneDx Variant Classification Process June 2021. Collection method: clinical testing. Allele origin: germline. Affected: yes.
Comment: Not observed in large population cohorts (Lek et al., 2016); In silico analysis, which includes protein predictors and evolutionary conservation, supports a deleterious effect; Has not been previously published as pathogenic or benign to our knowledge

NM_006766.5(KAT6A):c.5135C>T (p.Thr1712Ile)

Gene: KAT6A (lysine acetyltransferase 6A; minus strand). Cytogenetic location: 8p11.21.
Variant type: single nucleotide variant.
Coding change: c.5135C>T on transcript NM_006766.5 (MANE Select); coding-DNA position 5135, C replaced by T.
Protein change: p.Thr1712Ile; replaces threonine 1712 with isoleucine.
Molecular consequence: missense variant.
Genome position (GRCh38, 1-based): chr8:41,933,085, G>A on the plus strand (C>T on the coding strand, the complement: KAT6A is on the minus strand). VCF-style: chr8-41933085-G-A. GRCh37 (hg19) VCF-style: chr8-41790603-G-A.
Other names: short protein forms T1712I.
Identifiers: ClinVar variation 1310411 (VCV001310411.2), dbSNP rs2150855310, ClinGen allele CA371063570.